The following is an entry in ClinVar:

NM_001077418.3(TMEM231):c.724C>G (p.Pro242Ala)

Gene: TMEM231 (transmembrane protein 231; minus strand). Cytogenetic location: 16q23.1.
Variant type: single nucleotide variant.
Coding change: c.724C>G on transcript NM_001077418.3 (MANE Select); coding-DNA position 724, C replaced by G.
Protein change: p.Pro242Ala; replaces proline 242 with alanine.
Molecular consequence: missense variant. On other transcripts: non-coding transcript variant (1).
Genome position (GRCh38, 1-based): chr16:75,541,396, G>C on the plus strand (C>G on the coding strand, the complement: TMEM231 is on the minus strand). VCF-style: chr16-75541396-G-C. GRCh37 (hg19) VCF-style: chr16-75575294-G-C.
Other names: c.883C>G, p.Pro295Ala (NM_001077416.2); short protein forms P242A, P295A.
Identifiers: ClinVar variation 4787705 (VCV004787705.1).

ClinVar aggregate classification (germline): Uncertain significance (1 of 4 stars; one submission).

Conditions:
Meckel syndrome, type 11 (MKS11). Identifiers: Orphanet 564, MedGen C3809352, MONDO:0014164, OMIM 615397.
Joubert syndrome 20 (JBTS20). Identifiers: Orphanet 475, MedGen C3554235, MONDO:0013994, OMIM 614970.

gnomAD v4.1: 4 of 1,611,970 alleles (0.00025%); highest among the groups gnomAD compares: African/African-American, 0.0013%; no homozygotes.

Submission:

Labcorp Genetics (formerly Invitae), Labcorp
Classification: Uncertain significance for Joubert syndrome 20; Meckel syndrome, type 11. Last evaluated: 2025-02-16. Review status: criteria provided, single submitter. Criteria: Invitae Variant Classification Sherloc (09022015). Collection method: clinical testing. Allele origin: germline.
Comment: This sequence change replaces proline, which is neutral and non-polar, with alanine, which is neutral and non-polar, at codon 295 of the TMEM231 protein (p.Pro295Ala). This variant is present in population databases (rs776025526, gnomAD 0.007%). This variant has not been reported in the literature in individuals affected with TMEM231-related conditions. Experimental studies and prediction algorithms are not available or were not evaluated, and the functional significance of this variant is currently unknown. In summary, the available evidence is currently insufficient to determine the role of this variant in disease. Therefore, it has been classified as a Variant of Uncertain Significance.